The following is an entry in ClinVar:

NM_203447.4(DOCK8):c.3734C>T (p.Ser1245Leu)

Gene: DOCK8 (dedicator of cytokinesis 8; plus strand). Cytogenetic location: 9p24.3.
Variant type: single nucleotide variant.
Coding change: c.3734C>T on transcript NM_203447.4 (MANE Select); coding-DNA position 3734, C replaced by T.
Protein change: p.Ser1245Leu; replaces serine 1245 with leucine.
Molecular consequence: missense variant.
Genome position (GRCh38, 1-based): chr9:418,101, C>T. VCF-style: chr9-418101-C-T. GRCh37 (hg19) VCF-style: chr9-418101-C-T.
Other names: c.3434C>T, p.Ser1145Leu (NM_001190458.2); c.3530C>T, p.Ser1177Leu (NM_001193536.2); short protein forms S1145L, S1177L, S1245L.
Identifiers: ClinVar variation 999921 (VCV000999921.32), dbSNP rs373318465, ClinGen allele CA4958811.
Genomic context (GRCh38, chr9:418,101, plus strand): 5'-ACATCACAAACGATGTTTTCATTGCAGTTGCAGATACTCGCAGATACCGCACCAGTGGCT[C>T]GGATGAAGAACAAGAAGGAGCCGGTGCCATTAACCAGAATGTGGCTCTGGCCATAGCAGG-3'
Protein context (NP_982272.2, residues 1235-1255): ADTRRYRTSG[Ser1245Leu]DEEQEGAGAI

ClinVar aggregate classification (germline): Conflicting classifications of pathogenicity. Review status: criteria provided, conflicting classifications (1 of 4 stars). 3 submissions from 3 submitters: Uncertain significance (2); Likely benign (1). Last evaluated 2024-12-09.

Allele frequency attached by ClinVar (database versions not stated): gnomAD exomes 0.00001 and 0.00003; gnomAD 0.00003 and 0.00004; ExAC 0.00004; TOPMed 0.00004; ESP Exome Variant Server 0.00008.
gnomAD v4.1: 30 of 1,614,070 alleles (0.0019%); highest among the groups gnomAD compares: African/African-American, 0.011%; no homozygotes.

Submissions (3):

Labcorp Genetics (formerly Invitae), Labcorp
Classification: Uncertain significance for Combined immunodeficiency due to DOCK8 deficiency. Last evaluated: 2024-12-09. Review status: criteria provided, single submitter. Criteria: Invitae Variant Classification Sherloc (09022015). Collection method: clinical testing. Allele origin: germline.
Comment: This sequence change replaces serine, which is neutral and polar, with leucine, which is neutral and non-polar, at codon 1245 of the DOCK8 protein (p.Ser1245Leu). This variant is present in population databases (rs373318465, gnomAD 0.01%). This missense change has been observed in individual(s) with Hirschsprung disease (PMID: 29483666). ClinVar contains an entry for this variant (Variation ID: 999921). Invitae Evidence Modeling of protein sequence and biophysical properties (such as structural, functional, and spatial information, amino acid conservation, physicochemical variation, residue mobility, and thermodynamic stability) indicates that this missense variant is not expected to disrupt DOCK8 protein function with a negative predictive value of 80%. In summary, the available evidence is currently insufficient to determine the role of this variant in disease. Therefore, it has been classified as a Variant of Uncertain Significance.

Women's Health and Genetics/Laboratory Corporation of America, LabCorp
Classification: Uncertain significance. Last evaluated: 2024-08-05. Review status: criteria provided, single submitter. Criteria: LabCorp Variant Classification Summary - May 2015. Collection method: clinical testing. Allele origin: germline.
Comment: Variant summary: DOCK8 c.3734C>T (p.Ser1245Leu) results in a non-conservative amino acid change in the encoded protein sequence. Four of five in-silico tools predict a benign effect of the variant on protein function. The variant allele was found at a frequency of 2.8e-05 in 251348 control chromosomes. The available data on variant occurrences in the general population are insufficient to allow any conclusion about variant significance. c.3734C>T has been reported in the literature in individuals affected with Hirschsprung disease (example: Tang_2018). These report(s) do not provide unequivocal conclusions about association of the variant with Severe Combined Immunodeficiency. To our knowledge, no experimental evidence demonstrating an impact on protein function has been reported. The following publication has been ascertained in the context of this evaluation (PMID: 29483666). ClinVar contains an entry for this variant (Variation ID: 999921). Based on the evidence outlined above, the variant was classified as uncertain significance.

CeGaT Center for Human Genetics Tuebingen
Classification: Likely benign. Last evaluated: 2022-03-01. Review status: criteria provided, single submitter. Criteria: CeGaT Center For Human Genetics Tuebingen Variant Classification Criteria Version 2. Collection method: clinical testing. Allele origin: germline. Affected: yes. Observed: 1 variant allele.
Comment: DOCK8: BP4

Literature cited by the submitters: PubMed 29483666 (cited by Labcorp Genetics (formerly Invitae), Labcorp and Women's Health and Genetics/Laboratory Corporation of America, LabCorp).